The following is an entry in ClinVar:

NM_005121.3(MED13):c.2501A>G (p.Tyr834Cys)

Gene: MED13 (mediator complex subunit 13; minus strand). Cytogenetic location: 17q23.2.
Variant type: single nucleotide variant.
Coding change: c.2501A>G on transcript NM_005121.3 (MANE Select); coding-DNA position 2501, A replaced by G.
Protein change: p.Tyr834Cys; replaces tyrosine 834 with cysteine.
Molecular consequence: missense variant.
Genome position (GRCh38, 1-based): chr17:61,984,841, T>C on the plus strand (A>G on the coding strand, the complement: MED13 is on the minus strand). VCF-style: chr17-61984841-T-C. GRCh37 (hg19) VCF-style: chr17-60062202-T-C.
Other names: short protein forms Y834C.
Identifiers: ClinVar variation 3391500 (VCV003391500.3).

ClinVar aggregate classification (germline): Pathogenic/Likely pathogenic. Review status: criteria provided, multiple submitters, no conflicts (2 of 4 stars). 2 submissions from 2 submitters: Pathogenic (1); Likely pathogenic (1). Last evaluated 2026-05-28.

Conditions:
Intellectual developmental disorder 61. Also called: INTELLECTUAL DEVELOPMENTAL DISORDER, AUTOSOMAL DOMINANT 61; MENTAL RETARDATION, AUTOSOMAL DOMINANT 61. Identifiers: MedGen C5231400, MONDO:0032485, OMIM 618009.

Submissions (2):

GeneDx
Classification: Pathogenic. Last evaluated: 2026-05-28. Review status: criteria provided, single submitter. Criteria: GeneDx Variant Classification Process June 2021. Collection method: clinical testing. Allele origin: germline.
Comment: Not observed at significant frequency in large population cohorts (gnomAD); In silico analysis supports that this missense variant has a deleterious effect on protein structure/function; This variant is associated with the following publications: (PMID: 38745205, 38528425, 36087421)

3billion
Classification: Likely pathogenic for Intellectual developmental disorder 61. Last evaluated: 2024-11-15. Review status: criteria provided, single submitter. Criteria: ACMG Guidelines, 2015. Collection method: clinical testing. Allele origin: germline. Affected: yes.
Comment: The variant is not observed in the gnomAD v4.1.0 dataset. Predicted Consequence/Location: Missense variant. The majority of the known disease-causing variants of this gene are variants expected to result in premature termination of the protein. The same nucleotide change resulting in the same amino acid change has been previously reported to be associated with MED13 related disorder (PMID: 36087421).The variant has been previously reported as de novo in a similarly affected individual (PMID: 36087421). Therefore, this variant is classified as Likely pathogenic according to the recommendation of ACMG/AMP guideline.

Literature cited by the submitters: PubMed 36087421 (cited by 3billion).